The following is an entry in ClinVar:

ClinVar aggregate classification (germline): Likely benign (1 of 4 stars; one submission).

Allele frequency attached by ClinVar (database versions not stated): TOPMed below 0.00001; gnomAD exomes 0.00002; ExAC 0.00003.
gnomAD v4.1: 26 of 1,611,836 alleles (0.0016%); highest among the groups gnomAD compares: Non-Finnish European, 0.0019%; 2 homozygotes.

Submission:

CeGaT Center for Human Genetics Tuebingen
Classification: Likely benign. Last evaluated: 2023-03-01. Review status: criteria provided, single submitter. Criteria: CeGaT Center For Human Genetics Tuebingen Variant Classification Criteria Version 2. Collection method: clinical testing. Allele origin: germline. Affected: yes. Observed: 1 variant allele.
Comment: RGPD3: BP4, BP7

NM_001144013.2(RGPD3):c.3180G>C (p.Leu1060=)

Gene: RGPD3 (RANBP2 like and GRIP domain containing 3; minus strand). Cytogenetic location: 2q12.2.
Variant type: single nucleotide variant.
Coding change: c.3180G>C on transcript NM_001144013.2 (MANE Select); coding-DNA position 3180, G replaced by C.
Protein change: p.Leu1060=; no amino-acid change (leucine 1060 retained).
Molecular consequence: synonymous variant.
Genome position (GRCh38, 1-based): chr2:106,424,787, C>G on the plus strand (G>C on the coding strand, the complement: RGPD3 is on the minus strand). VCF-style: chr2-106424787-C-G. GRCh37 (hg19) VCF-style: chr2-107041243-C-G.
Identifiers: ClinVar variation 2651230 (VCV002651230.24), dbSNP rs780630974, ClinGen allele CA1816539.